The following is an entry in ClinVar:

ClinVar aggregate classification (germline): Uncertain significance. Review status: criteria provided, multiple submitters, no conflicts (2 of 4 stars). 2 submissions from 2 submitters: Uncertain significance (2). Last evaluated 2025-06-10.

Conditions:
Inborn genetic diseases. Identifiers: MedGen C0950123, MeSH D030342.
Autosomal recessive limb-girdle muscular dystrophy type 2Y (MRRSDC). Also called: Muscular dystrophy, limb-girdle, type 2y; Muscular dystrophy, autosomal recessive, with rigid spine and distal joint contractures. Identifiers: Orphanet 424261, MedGen C4511482, MONDO:0014900, OMIM 617072.

Allele frequency attached by ClinVar (database versions not stated): ESP Exome Variant Server 0.00008.
gnomAD v4.1: 12 of 1,609,072 alleles (0.00075%); highest among the groups gnomAD compares: African/African-American, 0.013%; no homozygotes.

Submissions (2):

Ambry Genetics
Classification: Uncertain significance for Inborn genetic diseases. Last evaluated: 2025-06-10. Review status: criteria provided, single submitter. Criteria: Ambry Variant Classification Scheme 2023. Collection method: clinical testing. Allele origin: germline.

Labcorp Genetics (formerly Invitae), Labcorp
Classification: Uncertain significance for Autosomal recessive limb-girdle muscular dystrophy type 2Y. Last evaluated: 2022-06-20. Review status: criteria provided, single submitter. Criteria: Invitae Variant Classification Sherloc (09022015). Collection method: clinical testing. Allele origin: germline.
Comment: ClinVar contains an entry for this variant (Variation ID: 649251). In summary, the available evidence is currently insufficient to determine the role of this variant in disease. Therefore, it has been classified as a Variant of Uncertain Significance. Algorithms developed to predict the effect of missense changes on protein structure and function are either unavailable or do not agree on the potential impact of this missense change (SIFT: "Deleterious"; PolyPhen-2: "Probably Damaging"; Align-GVGD: "Class C0"). This variant has not been reported in the literature in individuals affected with TOR1AIP1-related conditions. This variant is present in population databases (rs148576898, gnomAD 0.003%). This sequence change replaces proline, which is neutral and non-polar, with leucine, which is neutral and non-polar, at codon 63 of the TOR1AIP1 protein (p.Pro63Leu).

NM_015602.4(TOR1AIP1):c.188C>T (p.Pro63Leu)

Genes: TOR1AIP1 (torsin 1A interacting protein 1; plus strand), LOC112577517 (Sharpr-MPRA regulatory region 13766; plus strand). Cytogenetic location: 1q25.2.
Variant type: single nucleotide variant.
Coding change: c.188C>T on transcript NM_015602.4 (MANE Select); coding-DNA position 188, C replaced by T.
Protein change: p.Pro63Leu; replaces proline 63 with leucine.
Molecular consequence: missense variant.
Genome position (GRCh38, 1-based): chr1:179,882,690, C>T. VCF-style: chr1-179882690-C-T. GRCh37 (hg19) VCF-style: chr1-179851825-C-T.
Other names: c.188C>T, p.Pro63Leu (NM_001267578.2); c.188C>T (NM_015602.2); short protein forms P63L.
Identifiers: ClinVar variation 649251 (VCV000649251.6), dbSNP rs148576898, ClinGen allele CA33712292.
Genomic context (GRCh38, chr1:179,882,690, plus strand): 5'-CTGCGTACAGAACTCCTCCGTCGCGCCAGGGCCGGCGGGAAGTGAGGTTCTCGGACGAGC[C>T]GCCAGAAGTGTACGGCGACTTCGAGCCCCTGGTGGCCAAAGAAAGGTCCCCGGTGGGAAA-3'
Protein context (NP_056417.2, residues 53-73): GRREVRFSDE[Pro63Leu]PEVYGDFEPL